The following is an entry in ClinVar:

ClinVar aggregate classification (germline): Benign/Likely benign. Review status: criteria provided, multiple submitters, no conflicts (2 of 4 stars). 5 submissions from 5 submitters: Benign (2); Likely benign (3). Last evaluated 2026-04-24.

Conditions:
GJB4-related disorder. Also called: GJB4-related condition.

Allele frequency attached by ClinVar (database versions not stated): 1000 Genomes Project 0.00140; 1000 Genomes Project 30x 0.00156; ExAC 0.00414; gnomAD 0.00415 and 0.00432; ESP Exome Variant Server 0.00423; gnomAD exomes 0.00431; TOPMed 0.00431.

Submissions (5):

PreventionGenetics, part of Exact Sciences
Classification: Likely benign for GJB4-related condition. Last evaluated: 2026-04-24. Review status: criteria provided, single submitter. Criteria: ACMG Guidelines, 2015. Collection method: clinical testing. Allele origin: germline.
Comment: This variant is classified as likely benign based on ACMG/AMP sequence variant interpretation guidelines (Richards et al. 2015 PMID: 25741868, with internal and published modifications).

Labcorp Genetics (formerly Invitae), Labcorp
Classification: Benign. Last evaluated: 2026-01-12. Review status: criteria provided, single submitter. Criteria: Invitae Variant Classification Sherloc (09022015). Collection method: clinical testing. Allele origin: germline.

CeGaT Center for Human Genetics Tuebingen
Classification: Likely benign. Last evaluated: 2025-09-01. Review status: criteria provided, single submitter. Criteria: CeGaT Center For Human Genetics Tuebingen Variant Classification Criteria Version 2. Collection method: clinical testing. Allele origin: germline. Affected: yes. Observed: 1 variant allele.
Comment: GJB4: BP4, BP7, BS2

Blueprint Genetics
Classification: Likely benign. Last evaluated: 2024-11-19. Review status: criteria provided, single submitter. Criteria: ACMG Guidelines, 2015. Collection method: clinical testing. Allele origin: germline.

Breakthrough Genomics
Classification: Benign. Review status: criteria provided, single submitter. Criteria: ACMG Guidelines, 2015. Collection method: not provided. Allele origin: germline. Inheritance: Autosomal dominant inheritance. Affected: yes.

NM_153212.3(GJB4):c.108C>T (p.Tyr36=)

Gene: GJB4 (gap junction protein beta 4; plus strand). Cytogenetic location: 1p34.3.
Variant type: single nucleotide variant.
Coding change: c.108C>T on transcript NM_153212.3 (MANE Select); coding-DNA position 108, C replaced by T.
Protein change: p.Tyr36=; no amino-acid change (tyrosine 36 retained).
Molecular consequence: synonymous variant.
Genome position (GRCh38, 1-based): chr1:34,761,362, C>T. VCF-style: chr1-34761362-C-T. GRCh37 (hg19) VCF-style: chr1-35226963-C-T.
Identifiers: ClinVar variation 710496 (VCV000710496.20), dbSNP rs142720849, ClinGen allele CA754473.